The following is an entry in ClinVar:

NM_198253.3(TERT):c.297C>T (p.Phe99=)

Gene: TERT (telomerase reverse transcriptase; minus strand). Cytogenetic location: 5p15.33.
Variant type: single nucleotide variant.
Coding change: c.297C>T on transcript NM_198253.3 (MANE Select); coding-DNA position 297, C replaced by T.
Protein change: p.Phe99=; no amino-acid change (phenylalanine 99 retained).
Molecular consequence: synonymous variant. On other transcripts: non-coding transcript variant (2).
Genome position (GRCh38, 1-based): chr5:1,294,589, G>A on the plus strand (C>T on the coding strand, the complement: TERT is on the minus strand). VCF-style: chr5-1294589-G-A. GRCh37 (hg19) VCF-style: chr5-1294704-G-A.
Other names: c.297C>T, p.Phe99= (NM_001193376.3).
Identifiers: ClinVar variation 416306 (VCV000416306.23), dbSNP rs746607875, ClinGen allele CA3184997.
Genomic context (GRCh38, chr5:1,294,589, plus strand): 5'-CACGCTGGTGGTGAAGGCCTCGGGGGGGCCCCCGCGGGCCCCGTCCAGCAGCGCGAAGCC[G>A]AAGGCCAGCACGTTCTTCGCGCCGCGCTCGCACAGCCTCTGCAGCACTCGGGCCACCAGC-3'
Protein context (NP_937983.2, residues 89-109): CERGAKNVLA[Phe99=]GFALLDGARG

ClinVar aggregate classification (germline): Likely benign. Review status: criteria provided, multiple submitters, no conflicts (2 of 4 stars). 4 submissions from 4 submitters: Likely benign (4). Last evaluated 2025-10-25.

Conditions:
Idiopathic Pulmonary Fibrosis. Also called: Idiopathic fibrosing alveolitis, chronic form; idiopathic fibrosing alveolitis. Identifiers: Orphanet 2032, MedGen C1800706, MeSH D054990, MONDO:0800504.
Dyskeratosis congenita, autosomal dominant 2. Identifiers: MedGen C3151443, MONDO:0013521, OMIM 613989.
Dyskeratosis congenita. Identifiers: Orphanet 1775, MedGen C0265965, MONDO:0015780.

Allele frequency attached by ClinVar (database versions not stated): gnomAD 0.00005; gnomAD exomes 0.00005 and 0.00009; TOPMed 0.00008; ExAC 0.00010.
gnomAD v4.1: 133 of 1,592,868 alleles (0.0083%); highest among the groups gnomAD compares: Non-Finnish European, 0.011%; no homozygotes.

Submissions (4):

Labcorp Genetics (formerly Invitae), Labcorp
Classification: Likely benign for Dyskeratosis congenita, autosomal dominant 2; Idiopathic Pulmonary Fibrosis. Last evaluated: 2025-10-25. Review status: criteria provided, single submitter. Criteria: Invitae Variant Classification Sherloc (09022015). Collection method: clinical testing. Allele origin: germline.

CeGaT Center for Human Genetics Tuebingen
Classification: Likely benign. Last evaluated: 2025-06-01. Review status: criteria provided, single submitter. Criteria: CeGaT Center For Human Genetics Tuebingen Variant Classification Criteria Version 2. Collection method: clinical testing. Allele origin: germline. Affected: yes. Observed: 1 variant allele.
Comment: TERT: BP4, BP7

Blueprint Genetics
Classification: Likely benign. Last evaluated: 2024-08-30. Review status: criteria provided, single submitter. Criteria: ACMG Guidelines, 2015. Collection method: clinical testing. Allele origin: germline.

Ambry Genetics
Classification: Likely benign for Dyskeratosis congenita. Last evaluated: 2022-03-19. Review status: criteria provided, single submitter. Criteria: Ambry Variant Classification Scheme 2023. Collection method: clinical testing. Allele origin: germline.